The following is an entry in ClinVar:

NM_033026.6(PCLO):c.50C>T (p.Ala17Val)

Genes: PCLO (piccolo presynaptic cytomatrix protein; minus strand), LOC129998728 (ATAC-STARR-seq lymphoblastoid silent region 18336; plus strand). Cytogenetic location: 7q21.11.
Variant type: single nucleotide variant.
Coding change: c.50C>T on transcript NM_033026.6 (MANE Select); coding-DNA position 50, C replaced by T.
Protein change: p.Ala17Val; replaces alanine 17 with valine.
Molecular consequence: missense variant.
Genome position (GRCh38, 1-based): chr7:83,162,543, G>A on the plus strand (C>T on the coding strand, the complement: PCLO is on the minus strand). VCF-style: chr7-83162543-G-A. GRCh37 (hg19) VCF-style: chr7-82791859-G-A.
Other names: c.50C>T, p.Ala17Val (NM_014510.3); c.50C>T (NM_033026.5); short protein forms A17V.
Identifiers: ClinVar variation 1472855 (VCV001472855.6), dbSNP rs1457686283, ClinGen allele CA367922641.

ClinVar aggregate classification (germline): Uncertain significance. Review status: criteria provided, multiple submitters, no conflicts (2 of 4 stars). 2 submissions from 2 submitters: Uncertain significance (2). Last evaluated 2024-02-28.

Conditions:
Inborn genetic diseases. Identifiers: MedGen C0950123, MeSH D030342.

Submissions (2):

Ambry Genetics
Classification: Uncertain significance for Inborn genetic diseases. Last evaluated: 2024-02-28. Review status: criteria provided, single submitter. Criteria: Ambry Variant Classification Scheme 2023. Collection method: clinical testing. Allele origin: germline.

Labcorp Genetics (formerly Invitae), Labcorp
Classification: Uncertain significance. Last evaluated: 2021-09-02. Review status: criteria provided, single submitter. Criteria: Invitae Variant Classification Sherloc (09022015). Collection method: clinical testing. Allele origin: germline.
Comment: This sequence change replaces alanine with valine at codon 17 of the PCLO protein (p.Ala17Val). The alanine residue is weakly conserved and there is a small physicochemical difference between alanine and valine. This variant is not present in population databases (ExAC no frequency). This variant has not been reported in the literature in individuals affected with PCLO-related conditions. Algorithms developed to predict the effect of missense changes on protein structure and function output the following: SIFT: "Deleterious"; PolyPhen-2: "Not Available"; Align-GVGD: "Class C0". The valine amino acid residue is found in multiple mammalian species, which suggests that this missense change does not adversely affect protein function. In summary, the available evidence is currently insufficient to determine the role of this variant in disease. Therefore, it has been classified as a Variant of Uncertain Significance.